The following is an entry in ClinVar:

NM_007214.5(SEC63):c.514+3G>A

Gene: SEC63 (SEC63 protein translocation regulator; minus strand). Cytogenetic location: 6q21.
Variant type: single nucleotide variant.
Coding change: c.514+3G>A on transcript NM_007214.5 (MANE Select); 3 bases into the intron after coding-DNA position 514, G replaced by A.
Molecular consequence: intron variant.
Genome position (GRCh38, 1-based): chr6:107,913,363, C>T on the plus strand (G>A on the coding strand, the complement: SEC63 is on the minus strand). VCF-style: chr6-107913363-C-T. GRCh37 (hg19) VCF-style: chr6-108234567-C-T.
Identifiers: ClinVar variation 1508353 (VCV001508353.6), dbSNP rs766204076, ClinGen allele CA3947702.
Genomic context (GRCh38, chr6:107,913,363, plus strand): 5'-CTGGTTAACATTTTTATAATATATACCATATCGCCAATATTTTAAAATCATCATTTACCA[C>T]ACCTTGAGGCCCATCTGGATTTCCAAATTCTTCCCAATTTTTCCGGGACTCTTCATCCGT-3'

ClinVar aggregate classification (germline): Uncertain significance (1 of 4 stars; one submission).

Allele frequency attached by ClinVar (database versions not stated): gnomAD 0.00001; gnomAD exomes 0.00002; TOPMed 0.00002; ExAC 0.00006.
gnomAD v4.1: 32 of 1,574,532 alleles (0.002%); highest among the groups gnomAD compares: Non-Finnish European, 0.0022%; no homozygotes.

Submission:

Labcorp Genetics (formerly Invitae), Labcorp
Classification: Uncertain significance. Last evaluated: 2024-05-24. Review status: criteria provided, single submitter. Criteria: Invitae Variant Classification Sherloc (09022015). Collection method: clinical testing. Allele origin: germline.
Comment: This sequence change falls in intron 5 of the SEC63 gene. It does not directly change the encoded amino acid sequence of the SEC63 protein. It affects a nucleotide within the consensus splice site. This variant is present in population databases (rs766204076, gnomAD 0.01%). This variant has not been reported in the literature in individuals affected with SEC63-related conditions. ClinVar contains an entry for this variant (Variation ID: 1508353). Variants that disrupt the consensus splice site are a relatively common cause of aberrant splicing (PMID: 17576681, 9536098). Algorithms developed to predict the effect of sequence changes on RNA splicing suggest that this variant is not likely to affect RNA splicing. In summary, the available evidence is currently insufficient to determine the role of this variant in disease. Therefore, it has been classified as a Variant of Uncertain Significance.

Literature cited by the submitters: PubMed 17576681; PubMed 9536098.